The following is an entry in ClinVar:

ClinVar aggregate classification (germline): Uncertain significance (1 of 4 stars; one submission).

Submission:

Labcorp Genetics (formerly Invitae), Labcorp
Classification: Uncertain significance. Last evaluated: 2024-05-25. Review status: criteria provided, single submitter. Criteria: Invitae Variant Classification Sherloc (09022015). Collection method: clinical testing. Allele origin: germline.
Comment: This sequence change replaces proline, which is neutral and non-polar, with arginine, which is basic and polar, at codon 1163 of the FLNB protein (p.Pro1163Arg). This variant is not present in population databases (gnomAD no frequency). This variant has not been reported in the literature in individuals affected with FLNB-related conditions. Advanced modeling of protein sequence and biophysical properties (such as structural, functional, and spatial information, amino acid conservation, physicochemical variation, residue mobility, and thermodynamic stability) performed at Invitae indicates that this missense variant is not expected to disrupt FLNB protein function with a negative predictive value of 95%. In summary, the available evidence is currently insufficient to determine the role of this variant in disease. Therefore, it has been classified as a Variant of Uncertain Significance.

NM_001457.4(FLNB):c.3488C>G (p.Pro1163Arg)

Gene: FLNB (filamin B; plus strand). Cytogenetic location: 3p14.3.
Variant type: single nucleotide variant.
Coding change: c.3488C>G on transcript NM_001457.4 (MANE Select); coding-DNA position 3488, C replaced by G.
Protein change: p.Pro1163Arg; replaces proline 1163 with arginine.
Molecular consequence: missense variant.
Genome position (GRCh38, 1-based): chr3:58,123,454, C>G. VCF-style: chr3-58123454-C-G. GRCh37 (hg19) VCF-style: chr3-58109181-C-G.
Other names: c.3488C>G, p.Pro1163Arg (NM_001164317.2, NM_001164318.2, NM_001164319.2); short protein forms P1163R.
Identifiers: ClinVar variation 3709662 (VCV003709662.2).